The following is an entry in ClinVar:

NM_002485.5(NBN):c.37+11A>G

Gene: NBN (nibrin; minus strand). Cytogenetic location: 8q21.3.
Variant type: single nucleotide variant.
Coding change: c.37+11A>G on transcript NM_002485.5 (MANE Select); 11 bases into the intron after coding-DNA position 37, A replaced by G.
Molecular consequence: intron variant.
Genome position (GRCh38, 1-based): chr8:89,984,514, T>C on the plus strand (A>G on the coding strand, the complement: NBN is on the minus strand). VCF-style: chr8-89984514-T-C. GRCh37 (hg19) VCF-style: chr8-90996742-T-C.
Other names: c.-260+11A>G (NM_001024688.3).
Identifiers: ClinVar variation 490056 (VCV000490056.26), dbSNP rs115032431, ClinGen allele CA4803093.

ClinVar aggregate classification (germline): Benign/Likely benign. Review status: criteria provided, multiple submitters, no conflicts (2 of 4 stars). 12 submissions from 11 submitters: Benign (9); Likely benign (2). 1 of the submissions does not count toward it. Last evaluated 2026-02-03.

Conditions:
Microcephaly, normal intelligence and immunodeficiency (NBS). Also called: BERLIN BREAKAGE SYNDROME; Nijmegen breakage syndrome; Microcephaly with normal intelligence immunodeficiency and lymphoreticular malignancies; Nonsyndromal microcephaly autosomal recessive with normal intelligence; Seemanova syndrome 2; Ataxia telangiectasia variant V1. Identifiers: Orphanet 647, MedGen C0398791, MONDO:0009623, OMIM 251260.
Aplastic anemia. Identifiers: Orphanet 182040, Orphanet 88, MedGen C0002874, MONDO:0015909, OMIM 609135, HP:0001915.
Acute lymphoid leukemia (ALL). Also called: Acute lymphoblastic leukemia; Acute lymphocytic leukemia; Lymphoblastic leukemia; Leukemia, acute lymphoblastic, somatic. Identifiers: Orphanet 513, MedGen C0023449, MONDO:0004967, OMIM 613065, HP:0006721.
Malignant tumor of breast. Also called: Malignant breast neoplasm; Cancer breast. Identifiers: MedGen C0006142, MONDO:0007254. Disease mechanism: loss of function.
Hereditary breast ovarian cancer syndrome. Also called: Hereditary breast and ovarian cancer; Hereditary breast and ovarian cancer syndrome (HBOC); Hereditary breast and ovarian cancer syndrome; BRCA1- and BRCA2-Associated Hereditary Breast and Ovarian Cancer; Hereditary breast and/or ovarian cancer syndrome; Breast and ovarian cancer. Identifiers: Orphanet 145, MedGen C0677776, MeSH D061325, MONDO:0003582. Disease mechanism: loss of function.

Allele frequency attached by ClinVar (database versions not stated): gnomAD exomes 0.00116 and 0.00042; ExAC 0.00151; ESP Exome Variant Server 0.00492; gnomAD 0.00507 and 0.00540; TOPMed 0.00559; 1000 Genomes Project 0.00579; 1000 Genomes Project 30x 0.00625.
gnomAD v4.1: 1,398 of 1,611,972 alleles (0.087%); highest among the groups gnomAD compares: African/African-American, 1.6%; 15 homozygotes.

Submissions (12):

Labcorp Genetics (formerly Invitae), Labcorp
Classification: Benign for Microcephaly, normal intelligence and immunodeficiency. Last evaluated: 2026-02-03. Review status: criteria provided, single submitter. Criteria: Invitae Variant Classification Sherloc (09022015). Collection method: clinical testing. Allele origin: germline.

ARUP Laboratories, Molecular Genetics and Genomics, ARUP Laboratories
Classification: Benign. Last evaluated: 2025-05-21. Review status: criteria provided, single submitter. Criteria: ARUP Molecular Germline Variant Investigation Process 2024. Collection method: clinical testing. Allele origin: germline.

KCCC/NGS Laboratory, Kuwait Cancer Control Center
Classification: Benign for Microcephaly, normal intelligence and immunodeficiency. Last evaluated: 2025-02-01. Review status: criteria provided, single submitter. Criteria: ACMG Guidelines, 2015. Collection method: clinical testing. Allele origin: germline. Affected: no.

Blueprint Genetics
Classification: Likely benign. Last evaluated: 2024-10-03. Review status: criteria provided, single submitter. Criteria: ACMG Guidelines, 2015. Collection method: clinical testing. Allele origin: germline.

KCCC/NGS Laboratory, Kuwait Cancer Control Center
Classification: Benign for Acute lymphoid leukemia. Last evaluated: 2023-07-07. Review status: criteria provided, single submitter. Criteria: ACMG Guidelines, 2015. Collection method: clinical testing. Allele origin: germline. Affected: yes.

National Health Laboratory Service, Universitas Academic Hospital and University of the Free State
Classification: Likely benign for Hereditary breast ovarian cancer syndrome. Last evaluated: 2022-04-19. Review status: criteria provided, single submitter. Criteria: ACMG Guidelines, 2015. Collection method: clinical testing. Allele origin: germline. Affected: yes. Observed: 3 variant alleles.

Fulgent Genetics
Classification: Benign for Microcephaly, normal intelligence and immunodeficiency; Aplastic anemia; Acute lymphoid leukemia. Last evaluated: 2021-09-23. Review status: criteria provided, single submitter. Criteria: ACMG Guidelines, 2015. Collection method: clinical testing. Allele origin: unknown.

Genetic Services Laboratory, University of Chicago
Classification: Benign. Last evaluated: 2018-11-15. Review status: criteria provided, single submitter. Criteria: ACMG Guidelines, 2015. Collection method: clinical testing. Allele origin: germline. Affected: no.

Illumina Laboratory Services, Illumina
Classification: Benign for Microcephaly, normal intelligence and immunodeficiency. Last evaluated: 2018-01-13. Review status: criteria provided, single submitter. Criteria: ICSL Variant Classification Criteria 13 December 2019. Collection method: clinical testing. Allele origin: germline.
Comment: This variant was observed in the ICSL laboratory as part of a predisposition screen in an ostensibly healthy population. It had not been previously curated by ICSL or reported in the Human Gene Mutation Database (HGMD: prior to June 1st, 2018), and was therefore a candidate for classification through an automated scoring system. Utilizing variant allele frequency, disease prevalence and penetrance estimates, and inheritance mode, an automated score was calculated to assess if this variant is too frequent to cause the disease. Based on the score and internal cut-off values, a variant classified as benign is not then subjected to further curation. The score for this variant resulted in a classification of benign for this disease.

PreventionGenetics, part of Exact Sciences
Classification: Benign. Last evaluated: 2017-03-20. Review status: criteria provided, single submitter. Criteria: ACMG Guidelines, 2015. Collection method: clinical testing. Allele origin: germline.

GeneDx
Classification: Benign. Last evaluated: 2015-03-03. Review status: criteria provided, single submitter. Criteria: GeneDx Variant Classification Process June 2021. Collection method: clinical testing. Allele origin: germline. Affected: yes.

Department of Pathology and Laboratory Medicine, Sinai Health System
Classification: Benign for Malignant tumor of breast. Review status: no assertion criteria provided. Collection method: clinical testing. Allele origin: unknown. Affected: yes. Observed: 1 variant allele. Study: The Canadian Open Genetics Repository (COGR). Not counted in ClinVar's aggregate classification.
Comment: The NBN c.37+11A>G variant was not identified in the literature nor was it identified in the ClinVar, Cosmic, LOVD 3.0, and Zhejiang Colon Cancer Database. The variant was identified in dbSNP (ID: rs115032431) as â€šÃ„ÃºNAâ€šÃ„Ã¹, and in control databases in 425 (3 homozygous) of 272302 chromosomes at a frequency of 0.002 increasing the likelihood this could be a low frequency benign variant (Genome Aggregation Database Feb 27, 2017). Breakdown of the observations by population include African in 391 (3 homozygous) of 23526 chromosomes (freq: 0.02), Other in 3 of 6382 chromosomes (freq: 0.0005), Latino in 27 of 34324 chromosomes (freq: 0.0008), European Non-Finnish in 4 of 123086 chromosomes (freq: 0.00003), while not observed in the Ashkenazi Jewish, East Asian, European Finnish, and South Asian populations. The variant occurs outside of the splicing consensus sequence and 1 of 5 in silico or computational prediction software programs (SpliceSiteFinder, MaxEntScan, NNSPLICE, GeneSplicer, HumanSpliceFinder) predict a greater than 10% difference in splicing; this is not very predictive of pathogenicity. In summary, based on the above information this variant meets our laboratory's criteria to be classified as benign.